The following is an entry in ClinVar:

NM_000213.5(ITGB4):c.1242C>A (p.Ala414=)

Gene: ITGB4 (integrin subunit beta 4; plus strand). Cytogenetic location: 17q25.1.
Variant type: single nucleotide variant.
Coding change: c.1242C>A on transcript NM_000213.5 (MANE Select); coding-DNA position 1242, C replaced by A.
Protein change: p.Ala414=; no amino-acid change (alanine 414 retained).
Molecular consequence: synonymous variant.
Genome position (GRCh38, 1-based): chr17:75,731,838, C>A. VCF-style: chr17-75731838-C-A. GRCh37 (hg19) VCF-style: chr17-73727919-C-A.
Other names: c.1242C>A, p.Ala414= (NM_001005619.2, NM_001005731.3, NM_001321123.2).
Identifiers: ClinVar variation 1600010 (VCV001600010.10), dbSNP rs745527527, ClinGen allele CA8768945.
Genomic context (GRCh38, chr17:75,731,838, plus strand): 5'-GGGCCTGCCTTGGCTGACCACGGGGCCCCTGCAGGGTATATACCAGGTGCAGCTGCGGGC[C>A]CTTGAGCACGTGGATGGGACGCACGTGTGCCAGCTGCCGGAGGACCAGAAGGGCAACATC-3'
Protein context (NP_000204.3, residues 404-424): EVGIYQVQLR[Ala414=]LEHVDGTHVC

ClinVar aggregate classification (germline): Benign. Review status: criteria provided, single submitter (1 of 4 stars). 2 submissions from 2 submitters: Benign (1). 1 of the submissions does not count toward it. Last evaluated 2023-12-03.

Conditions:
ITGB4-related disorder. Also called: ITGB4-related condition.

Allele frequency attached by ClinVar (database versions not stated): TOPMed 0.00002; gnomAD 0.00005; gnomAD exomes 0.00007 and 0.00015; ExAC 0.00036.

Submissions (2):

Labcorp Genetics (formerly Invitae), Labcorp
Classification: Benign. Last evaluated: 2023-12-03. Review status: criteria provided, single submitter. Criteria: Invitae Variant Classification Sherloc (09022015). Collection method: clinical testing. Allele origin: germline.

PreventionGenetics, part of Exact Sciences
Classification: Likely benign for ITGB4-related condition. Last evaluated: 2023-07-20. Review status: no assertion criteria provided. Collection method: clinical testing. Allele origin: germline. Not counted in ClinVar's aggregate classification.
Comment: This variant is classified as likely benign based on ACMG/AMP sequence variant interpretation guidelines (Richards et al. 2015 PMID: 25741868, with internal and published modifications).